The following continues an entry in ClinVar:

NM_000257.4(MYH7):c.1491G>T (p.Glu497Asp)

Gene: MYH7. ClinVar aggregate classification (germline): Pathogenic/Likely pathogenic. Pathogenic (4); Likely pathogenic (11).

Submissions 6 to 16 of 16:

All of Us Research Program, National Institutes of Health
Classification: Likely pathogenic for Hypertrophic cardiomyopathy. Last evaluated: 2024-07-29. Review status: criteria provided, single submitter. Criteria: ACMG Guidelines, 2015. Collection method: clinical testing. Allele origin: germline. Inheritance: Autosomal dominant inheritance. Observed: 4 variant alleles, 4 heterozygotes.
Comment: This missense variant replaces glutamic acid with aspartic acid at codon 497 in the myosin head/motor domain of the MYH7 protein. Computational prediction suggests that this variant may have a deleterious impact on protein structure and function (internally defined REVEL score threshold >= 0.7, PMID: 27666373). This variant is found within a highly conserved region of the myosin head domain. Missense variants in this region have been shown to be significantly overrepresented in individuals with hypertrophic cardiomyopathy (PMID: 27532257). To our knowledge, functional studies have not been reported for this variant. This variant has been reported in over ten individuals affected with hypertrophic cardiomyopathy (PMID: 16267253, 21958740, 23549607, 24793961, 25351510, 25558701, 25611685, 27247418, 27532257, 29121657, 32894683, 33495597, 33764162, 34556856, 35470680). It has been shown that this variant segregates with disease in two affected individuals in one family (PMID: 16267253). This variant has been identified in 2/251488 chromosomes in the general population by the Genome Aggregation Database (gnomAD). Based on the available evidence, this variant is classified as Likely Pathogenic.

This study involves interpretation of variants in research participants for the purpose of population health screening. Participant phenotype was not available at the time of variant classification. Additional details can be found in publication PMID: 35346344, PMCID: PMC8962531

Blueprint Genetics
Classification: Pathogenic for MYH7-related disorders. Last evaluated: 2024-07-02. Review status: criteria provided, single submitter. Criteria: ACMG Guidelines, 2015. Collection method: clinical testing. Allele origin: germline. Affected: yes. Observed: 5 variant alleles.

Fulgent Genetics
Classification: Likely pathogenic for MYH7-related skeletal myopathy; Hypertrophic cardiomyopathy 1; Myopathy, myosin storage, autosomal recessive; Myosin storage myopathy; Dilated cardiomyopathy 1S. Last evaluated: 2024-02-21. Review status: criteria provided, single submitter. Criteria: ACMG Guidelines, 2015. Collection method: clinical testing. Allele origin: germline.

CHEO Genetics Diagnostic Laboratory, Children's Hospital of Eastern Ontario
Classification: Likely pathogenic for Cardiomyopathy. Last evaluated: 2023-02-01. Review status: criteria provided, single submitter. Criteria: ACMG Guidelines, 2015. Collection method: clinical testing. Allele origin: germline.

Provincial Medical Genetics Program of British Columbia, University of British Columbia
Classification: Likely pathogenic for Dilated cardiomyopathy 1S. Last evaluated: 2022-01-01. Review status: criteria provided, single submitter. Criteria: ACMG Guidelines, 2015. Collection method: clinical testing. Allele origin: paternal. Affected: yes.

Mayo Clinic Laboratories, Mayo Clinic
Classification: Likely pathogenic. Last evaluated: 2021-03-24. Review status: criteria provided, single submitter. Criteria: ACMG Guidelines, 2015. Collection method: clinical testing. Allele origin: germline. Observed: 1 variant allele.
Comment: PS4, PM2_supporting, PM1, PP3

Revvity Omics, Revvity
Classification: Likely pathogenic. Last evaluated: 2021-02-10. Review status: criteria provided, single submitter. Criteria: ACMG Guidelines, 2015. Collection method: clinical testing. Allele origin: germline.

Laboratory for Molecular Medicine, Mass General Brigham Personalized Medicine
Classification: Likely pathogenic for Hypertrophic cardiomyopathy. Last evaluated: 2019-04-05. Review status: criteria provided, single submitter. Criteria: ACMG Guidelines, 2015. Collection method: clinical testing. Allele origin: germline. Inheritance: Autosomal dominant inheritance.
Comment: The p.Glu497Asp variant in MYH7 has been reported in >=6 individuals with HCM and segregated with disease in 3 affected relatives from 2 families (Arad 2005, Ho 2013, Kapplinger 2014, Homburger 2016, LMM data). This variant has also been reported by other clinical laboratories in in ClinVar (Variation ID 14124) and has been identified in 2/9850 Ashkenazi Jewish chromosomes by the Genome Aggregation Database (gnomAD; dbSNP rs267606911). Please note that for diseases with clinical variability or reduced penetrance, pathogenic variants may be present at a low frequency in the general population. Glutamic acid (Glu) at position 497 is highly conserved in mammals and across evolutionarily distant species and the change to aspartic acid (Asp) was predicted to be pathogenic using a computational tool clinically validated by our laboratory. This tool's pathogenic prediction is estimated to be correct 94% of the time (Jordan 2011). Of note, the p.Glu497Asp variant lies in the head region of the protein. Missense variants in this region have been reported and statistically indicated to be more likely to cause disease (Walsh 2016). In summary, although additional studies are required to fully establish its clinical significance, the p.Glu497Asp variant is likely pathogenic. The ACMG/AMP Criteria applied (Richards 2015): PS4_Moderate, PP1_Supporting, PP3, PM1.

Stanford Center for Inherited Cardiovascular Disease, Stanford University
Classification: Likely pathogenic. Last evaluated: 2014-10-08. Review status: criteria provided, single submitter. Criteria: ACMG Guidelines, 2015. Collection method: provider interpretation. Allele origin: germline.

Hadassah Hebrew University Medical Center
Classification: Pathogenic for Hypertrophic cardiomyopathy 1. Review status: criteria provided, single submitter. Criteria: ACMG Guidelines, 2015. Collection method: research. Allele origin: germline. Affected: no. Observed: 1 variant allele.

OMIM
Classification: Pathogenic for CARDIOMYOPATHY, FAMILIAL HYPERTROPHIC, 1. Last evaluated: 2005-11-01. Review status: no assertion criteria provided. Collection method: literature only. Allele origin: germline. Not counted in ClinVar's aggregate classification.

Literature cited by the submitters: PubMed 16267253 (cited by 8 submitters); PubMed 23549607 (cited by 5 submitters); PubMed 24510615 (cited by 5 submitters); PubMed 21310275 (cited by Labcorp Genetics (formerly Invitae), Labcorp); PubMed 26446785 (cited by 3 submitters); PubMed 21958740 (cited by 3 submitters); PubMed 25558701 (cited by 4 submitters); PubMed 27247418 (cited by 5 submitters); PubMed 27532257 (cited by 6 submitters); PubMed 32894683 (cited by 3 submitters); PubMed 33764162 (cited by 4 submitters); PubMed 24793961 (cited by 3 submitters); PubMed 25351510 (cited by 3 submitters); PubMed 25611685 (cited by 3 submitters); PubMed 29121657 (cited by 3 submitters); PubMed 33495597 (cited by Color Diagnostics, LLC DBA Color Health and All of Us Research Program, National Institutes of Health); PubMed 34542152 (cited by Color Diagnostics, LLC DBA Color Health); PubMed 34556856 (cited by 3 submitters); PubMed 35470680 (cited by 3 submitters); PubMed 38186735 (cited by Color Diagnostics, LLC DBA Color Health); PubMed 38757491 (cited by Color Diagnostics, LLC DBA Color Health); PubMed 25228707 (cited by Rady Children's Institute for Genomic Medicine, Rady Children's Hospital San Diego).